The following is an entry in ClinVar:

ClinVar aggregate classification (germline): Conflicting classifications of pathogenicity. Review status: criteria provided, conflicting classifications (1 of 4 stars). 2 submissions from 2 submitters: Uncertain significance (1); Likely benign (1). Last evaluated 2025-10-29.

Conditions:
Inborn genetic diseases. Identifiers: MedGen C0950123, MeSH D030342.
RFT1-congenital disorder of glycosylation (CDG1N). Also called: Congenital disorder of glycosylation type In; RFT1-CDG; CDG In. Identifiers: Orphanet 244310, MedGen C2677590, MONDO:0012783, OMIM 612015.

gnomAD v4.1: 3 of 1,610,488 alleles (0.00019%); highest among the groups gnomAD compares: Non-Finnish European, 0.00025%; no homozygotes.

Submissions (2):

Ambry Genetics
Classification: Likely benign for Inborn genetic diseases. Last evaluated: 2025-10-29. Review status: criteria provided, single submitter. Criteria: Ambry Variant Classification Scheme 2023. Collection method: clinical testing. Allele origin: germline.

Labcorp Genetics (formerly Invitae), Labcorp
Classification: Uncertain significance for RFT1-congenital disorder of glycosylation. Last evaluated: 2025-05-07. Review status: criteria provided, single submitter. Criteria: Invitae Variant Classification Sherloc (09022015). Collection method: clinical testing. Allele origin: germline.
Comment: This sequence change replaces histidine, which is basic and polar, with arginine, which is basic and polar, at codon 466 of the RFT1 protein (p.His466Arg). This variant is present in population databases (no rsID available, gnomAD 0.002%). This variant has not been reported in the literature in individuals affected with RFT1-related conditions. Invitae Evidence Modeling of protein sequence and biophysical properties (such as structural, functional, and spatial information, amino acid conservation, physicochemical variation, residue mobility, and thermodynamic stability) indicates that this missense variant is not expected to disrupt RFT1 protein function with a negative predictive value of 80%. In summary, the available evidence is currently insufficient to determine the role of this variant in disease. Therefore, it has been classified as a Variant of Uncertain Significance.

NM_052859.4(RFT1):c.1397A>G (p.His466Arg)

Gene: RFT1 (RFT1 glycolipid translocator homolog; minus strand). Cytogenetic location: 3p21.1.
Variant type: single nucleotide variant.
Coding change: c.1397A>G on transcript NM_052859.4 (MANE Select); coding-DNA position 1397, A replaced by G.
Protein change: p.His466Arg; replaces histidine 466 with arginine.
Molecular consequence: missense variant.
Genome position (GRCh38, 1-based): chr3:53,092,430, T>C on the plus strand (A>G on the coding strand, the complement: RFT1 is on the minus strand). VCF-style: chr3-53092430-T-C. GRCh37 (hg19) VCF-style: chr3-53126446-T-C.
Other names: short protein forms H466R.
Identifiers: ClinVar variation 4629118 (VCV004629118.2).
Genomic context (GRCh38, chr3:53,092,430, plus strand): 5'-TCCGAAACAGCAGTAACCCCACCACTGAGGGCAAATGTCCCGAGCAGGACTGGCGATAGG[T>C]GCAGGCCAGCCAGGGGCCTGTGGGGGCTCCTTCGGTAGTAGCGGTGGATGAAGCAAAGGC-3'
Protein context (NP_443091.1, residues 456-476): RSPHRPLAGL[His466Arg]LSPVLLGTFA